The following is an entry in ClinVar:

ClinVar aggregate classification (germline): Uncertain significance. Review status: criteria provided, multiple submitters, no conflicts (2 of 4 stars). 2 submissions from 2 submitters: Uncertain significance (2). Last evaluated 2025-11-12.

Conditions:
Propionic acidemia (PROP). Also called: GLYCINEMIA, KETOTIC; HYPERGLYCINEMIA WITH KETOACIDOSIS AND LEUKOPENIA; KETOTIC HYPERGLYCINEMIA. Identifiers: Orphanet 35, MedGen C0268579, MONDO:0011628, OMIM 606054, HP:0003571.

Submissions (2):

Labcorp Genetics (formerly Invitae), Labcorp
Classification: Uncertain significance for Propionic acidemia. Last evaluated: 2025-11-12. Review status: criteria provided, single submitter. Criteria: Invitae Variant Classification Sherloc (09022015). Collection method: clinical testing. Allele origin: germline.
Comment: This sequence change affects codon 200 of the PCCA mRNA. It is a 'silent' change, meaning that it does not change the encoded amino acid sequence of the PCCA protein. This variant also falls at the last nucleotide of exon 7, which is part of the consensus splice site for this exon. This variant is not present in population databases (gnomAD no frequency). This variant has not been reported in the literature in individuals affected with PCCA-related conditions. ClinVar contains an entry for this variant (Variation ID: 3907096). Variants that disrupt the consensus splice site are a relatively common cause of aberrant splicing (PMID: 17576681, 9536098). Algorithms developed to predict the effect of sequence changes on RNA splicing suggest that this variant is not likely to affect RNA splicing. In summary, the available evidence is currently insufficient to determine the role of this variant in disease. Therefore, it has been classified as a Variant of Uncertain Significance.

Women's Health and Genetics/Laboratory Corporation of America, LabCorp
Classification: Uncertain significance. Last evaluated: 2025-06-16. Review status: criteria provided, single submitter. Criteria: LabCorp Variant Classification Summary - May 2015. Collection method: clinical testing. Allele origin: germline.
Comment: Variant summary: PCCA c.600G>A (p.Lys200Lys) alters a conserved nucleotide located close to a canonical splice site and therefore could affect mRNA splicing, leading to a significantly altered protein sequence. Several computational tools predict a significant impact on normal splicing: One predict the variant abolishes a 5' splicing donor site. Two predict the variant weakens a 5' donor site. One predict the variant no significant impact on splicing. However, these predictions have yet to be confirmed by functional studies. The variant was absent in 251318 control chromosomes. The available data on variant occurrences in the general population are insufficient to allow any conclusion about variant significance. To our knowledge, no occurrence of c.600G>A in individuals affected with Propionic Acidemia and no experimental evidence demonstrating its impact on protein function have been reported. No submitters have cited clinical-significance assessments for this variant to ClinVar. Based on the evidence outlined above, the variant was classified as uncertain significance.

Literature cited by the submitters: PubMed 17576681 (cited by Labcorp Genetics (formerly Invitae), Labcorp); PubMed 9536098 (cited by Labcorp Genetics (formerly Invitae), Labcorp).

NM_000282.4(PCCA):c.600G>A (p.Lys200=)

Gene: PCCA (propionyl-CoA carboxylase subunit alpha; plus strand). Cytogenetic location: 13q32.3.
Variant type: single nucleotide variant.
Coding change: c.600G>A on transcript NM_000282.4 (MANE Select); coding-DNA position 600, G replaced by A.
Protein change: p.Lys200=; no amino-acid change (lysine 200 retained).
Molecular consequence: synonymous variant. On other transcripts: 5 prime UTR variant (3), non-coding transcript variant (5).
Genome position (GRCh38, 1-based): chr13:100,209,463, G>A. VCF-style: chr13-100209463-G-A. GRCh37 (hg19) VCF-style: chr13-100861717-G-A.
Other names: c.522G>A, p.Lys174= (NM_001127692.3, NM_001352607.2, NM_001352608.2); c.600G>A, p.Lys200= (NM_001178004.2, NM_001352605.2, NM_001352606.2 and 1 more transcripts); c.-267G>A (NM_001352610.2, NM_001352611.2, NM_001352612.2).
Identifiers: ClinVar variation 3907096 (VCV003907096.2).
Genomic context (GRCh38, chr13:100,209,463, plus strand): 5'-CAAATTATTAGCTAAGAAAGCAGAGGTTAATACAATCCCTGGCTTTGATGGAGTAGTCAA[G>A]GTGAGAAGCTACTTTAACTTTTATTGTATATGTCTTCAAGTTAAACATTTTGTCAAAAGT-3'
Protein context (NP_000273.2, residues 190-210): NTIPGFDGVV[Lys200=]DAEEAVRIAR